The following is an entry in ClinVar:

NM_000277.3(PAH):c.1187A>G (p.Lys396Arg)

Gene: PAH (phenylalanine hydroxylase; minus strand). Cytogenetic location: 12q23.2.
Variant type: single nucleotide variant.
Coding change: c.1187A>G on transcript NM_000277.3 (MANE Select); coding-DNA position 1187, A replaced by G.
Protein change: p.Lys396Arg; replaces lysine 396 with arginine.
Molecular consequence: missense variant.
Genome position (GRCh38, 1-based): chr12:102,843,658, T>C on the plus strand (A>G on the coding strand, the complement: PAH is on the minus strand). VCF-style: chr12-102843658-T-C. GRCh37 (hg19) VCF-style: chr12-103237436-T-C.
Other names: c.1187A>G, p.Lys396Arg (NM_001354304.2); short protein forms K396R.
Identifiers: ClinVar variation 962987 (VCV000962987.16), dbSNP rs776178623, ClinGen allele CA6748729.

ClinVar aggregate classification (germline): Likely pathogenic. Review status: reviewed by expert panel (3 of 4 stars). 5 submissions from 5 submitters: Likely pathogenic (1). 4 of the submissions do not count toward it. Last evaluated 2020-08-13.

Conditions:
Phenylketonuria (PKU). Also called: Phenylketonurias; OLIGOPHRENIA PHENYLPYRUVICA; FOLLING DISEASE; Phenylketonuria (PKU). Identifiers: Orphanet 716, MedGen C0031485, MONDO:0009861, OMIM 261600. Disease mechanism: loss of function.
6-Pyruvoyl-tetrahydrobiopterin synthase deficiency. Also called: Hyperphenylalanemia, BH4-deficient, A; Hyperphenylalaninemia due to 6-pyruvoyl-tetrahydropterin synthase deficiency; 6-Pyruvoyltetrahydropterin Synthase Deficiency; BH4-deficient hyperphenylalaninemia A; HYPERPHENYLALANINEMIA, TETRAHYDROBIOPTERIN-DEFICIENT, DUE TO PTS DEFICIENCY; PTS DEFICIENCY. Identifiers: Orphanet 13, Orphanet 238583, MedGen C0878676, MONDO:0009863, OMIM 261640.

Allele frequency attached by ClinVar (database versions not stated): gnomAD exomes below 0.00001; ExAC 0.00001.
gnomAD v4.1: 6 of 1,613,652 alleles (0.00037%); highest among the groups gnomAD compares: South Asian, 0.0011%; no homozygotes.

Submissions (5):

ClinGen PAH Variant Curation Expert Panel
Classification: Likely pathogenic for Phenylketonuria. Last evaluated: 2020-08-13. Review status: reviewed by expert panel. Criteria: ClinGen PAH ACMG Specifications v1. Collection method: curation. Allele origin: germline. Inheritance: Autosomal recessive inheritance.
Comment: The c.1187A>G (p.Lys396Arg) variant in PAH has been reported in multiple individuals with mild HPA and PKU (BH4 deficiency excluded). (PMID: 21147011, 23357515). This variant has extremely low frequency in ExAC and gnomAD (MAF=0.00006). This variant was detected with pathogenic variants IVS10-11G>A in 2 patients (PMID: 21147011) and p.Arg408Trp (PMID: 23357515). Computational evidence is conflicting. In summary, this variant meets criteria to be classified as likely pathogenic for PAH. PAH-specific ACMG/AMP criteria applied: PP4_Moderate, PM2, PM3.

Labcorp Genetics (formerly Invitae), Labcorp
Classification: Pathogenic for Phenylketonuria. Last evaluated: 2025-12-07. Review status: criteria provided, single submitter. Criteria: Invitae Variant Classification Sherloc (09022015). Collection method: clinical testing. Allele origin: germline. Not counted in ClinVar's aggregate classification.
Comment: This sequence change replaces lysine, which is basic and polar, with arginine, which is basic and polar, at codon 396 of the PAH protein (p.Lys396Arg). This variant is present in population databases (rs776178623, gnomAD 0.003%). This missense change has been observed in individual(s) with phenylketonuria (PMID: 21147011, 23357515, 39039323). ClinVar contains an entry for this variant (Variation ID: 962987). Invitae Evidence Modeling of protein sequence and biophysical properties (such as structural, functional, and spatial information, amino acid conservation, physicochemical variation, residue mobility, and thermodynamic stability) indicates that this missense variant is not expected to disrupt PAH protein function with a negative predictive value of 80%. For these reasons, this variant has been classified as Pathogenic.

Women's Health and Genetics/Laboratory Corporation of America, LabCorp
Classification: Pathogenic for 6-Pyruvoyl-tetrahydrobiopterin synthase deficiency. Last evaluated: 2025-01-06. Review status: criteria provided, single submitter. Criteria: LabCorp Variant Classification Summary - May 2015. Collection method: clinical testing. Allele origin: germline. Not counted in ClinVar's aggregate classification.
Comment: Variant summary: PAH c.1187A>G (p.Lys396Arg) results in a conservative amino acid change in the encoded protein sequence. Three of five in-silico tools predict a damaging effect of the variant on protein function. The variant allele was found at a frequency of 4e-06 in 251304 control chromosomes (gnomAD). c.1187A>G has been reported in the literature in multiple individuals affected with Hyperphenylalaninemia (e.g. Dobrowolski_2011, Reblova_2013, Balasar_2024). These data indicate that the variant is very likely to be associated with disease. The following publications have been ascertained in the context of this evaluation (PMID: 21147011, 23357515, 39039323). ClinVar contains an entry for this variant (Variation ID: 962987). Based on the evidence outlined above, the variant was classified as pathogenic.

Department of Human Genetics, Hannover Medical School
Classification: Likely pathogenic for Phenylketonuria. Last evaluated: 2023-11-09. Review status: criteria provided, single submitter. Criteria: ACMG Guidelines, 2015. Collection method: clinical testing. Allele origin: germline. Affected: yes. Not counted in ClinVar's aggregate classification.

Kariminejad - Najmabadi Pathology & Genetics Center
Classification: Likely pathogenic for Phenylketonuria. Review status: criteria provided, single submitter. Criteria: ACMG Guidelines, 2015. Collection method: clinical testing. Allele origin: germline. Affected: no. Not counted in ClinVar's aggregate classification.

Literature cited by the submitters: PubMed 21147011 (cited by Labcorp Genetics (formerly Invitae), Labcorp and Women's Health and Genetics/Laboratory Corporation of America, LabCorp); PubMed 23357515 (cited by Labcorp Genetics (formerly Invitae), Labcorp and Women's Health and Genetics/Laboratory Corporation of America, LabCorp); PubMed 39039323 (cited by Labcorp Genetics (formerly Invitae), Labcorp and Women's Health and Genetics/Laboratory Corporation of America, LabCorp).